The following is an entry in ClinVar:

NM_001039141.3(TRIOBP):c.6775C>T (p.Arg2259Cys)

Gene: TRIOBP (TRIO and F-actin binding protein; plus strand). Cytogenetic location: 22q13.1.
Variant type: single nucleotide variant.
Coding change: c.6775C>T on transcript NM_001039141.3 (MANE Select); coding-DNA position 6775, C replaced by T.
Protein change: p.Arg2259Cys; replaces arginine 2259 with cysteine.
Molecular consequence: missense variant.
Genome position (GRCh38, 1-based): chr22:37,769,301, C>T. VCF-style: chr22-37769301-C-T. GRCh37 (hg19) VCF-style: chr22-38165308-C-T.
Other names: c.1636C>T, p.Arg546Cys (NM_007032.5); short protein forms R2259C, R546C.
Identifiers: ClinVar variation 667344 (VCV000667344.11), dbSNP rs536411182, ClinGen allele CA10225186.
Genomic context (GRCh38, chr22:37,769,301, plus strand): 5'-TGACCACCGTGCCTCTCCCAGGAGCTGCATGGCCGCCTGTCAGAGGAGATAGACCAGCTG[C>T]GCGGCTTCATTGCCTCGCAGGGCATGGGCAATGGCTGCGGGCGCAGCAACGAGCGGAGTT-3'
Protein context (NP_001034230.1, residues 2249-2269): GRLSEEIDQL[Arg2259Cys]GFIASQGMGN

ClinVar aggregate classification (germline): Uncertain significance. Review status: criteria provided, multiple submitters, no conflicts (2 of 4 stars). 3 submissions from 3 submitters: Uncertain significance (3). Last evaluated 2026-09-15.

Allele frequency attached by ClinVar (database versions not stated): ExAC 0.00004; gnomAD exomes 0.00005 and 0.00009; gnomAD 0.00012; TOPMed 0.00012; 1000 Genomes Project 30x 0.00016; 1000 Genomes Project 0.00020.
gnomAD v4.1: 89 of 1,612,054 alleles (0.0055%); highest among the groups gnomAD compares: Admixed American, 0.05%; no homozygotes.

Submissions (3):

GeneDx
Classification: Uncertain significance. Last evaluated: 2026-09-15. Review status: criteria provided, single submitter. Criteria: GeneDx Variant Classification Process June 2021. Collection method: clinical testing. Allele origin: germline.
Comment: In silico analysis supports that this missense variant has a deleterious effect on protein structure/function; Has not been previously published as pathogenic or benign to our knowledge

Labcorp Genetics (formerly Invitae), Labcorp
Classification: Uncertain significance. Last evaluated: 2022-08-09. Review status: criteria provided, single submitter. Criteria: Invitae Variant Classification Sherloc (09022015). Collection method: clinical testing. Allele origin: germline.
Comment: This sequence change replaces arginine, which is basic and polar, with cysteine, which is neutral and slightly polar, at codon 2259 of the TRIOBP protein (p.Arg2259Cys). This variant is present in population databases (rs536411182, gnomAD 0.03%). This variant has not been reported in the literature in individuals affected with TRIOBP-related conditions. ClinVar contains an entry for this variant (Variation ID: 667344). Algorithms developed to predict the effect of missense changes on protein structure and function are either unavailable or do not agree on the potential impact of this missense change (SIFT: "Deleterious"; PolyPhen-2: "Probably Damaging"; Align-GVGD: "Class C0"). In summary, the available evidence is currently insufficient to determine the role of this variant in disease. Therefore, it has been classified as a Variant of Uncertain Significance.

Laboratory for Molecular Medicine, Mass General Brigham Personalized Medicine
Classification: Uncertain significance. Last evaluated: 2018-08-02. Review status: criteria provided, single submitter. Criteria: LMM Criteria. Collection method: clinical testing. Allele origin: germline. Observed: 2 variant alleles.
Comment: The p.Arg2259Cys variant in TRIOBP has not been previously reported in individua ls with hearing loss, but has been identified in 0.03% (11/34234) of Latino chro mosomes by gnomAD. Computational prediction t ools and conservation analysis suggest that the p.Arg2259Cys variant may impact the protein, though this information is not predictive enough to determine patho genicity. In summary, the clinical significance of the p.Arg2259Cys variant is u ncertain. ACMG/AMP Criteria applied: PP3.